The following is an entry in ClinVar:

ClinVar aggregate classification (germline): Uncertain significance (1 of 4 stars; one submission).

Conditions:
Ullrich congenital muscular dystrophy 2 (UCMD2). Identifiers: Orphanet 75840, MedGen C4225314, MONDO:0014654, OMIM 616470.
Bethlem myopathy 2 (BTHLM2). Identifiers: Orphanet 536516, Orphanet 610, MedGen C4225313, MONDO:0034022, OMIM 616471.

Submission:

Labcorp Genetics (formerly Invitae), Labcorp
Classification: Uncertain significance for Bethlem myopathy 2; Ullrich congenital muscular dystrophy 2. Last evaluated: 2022-03-21. Review status: criteria provided, single submitter. Criteria: Invitae Variant Classification Sherloc (09022015). Collection method: clinical testing. Allele origin: germline.
Comment: This variant has not been reported in the literature in individuals affected with COL12A1-related conditions. This variant is not present in population databases (gnomAD no frequency). This sequence change falls in intron 14 of the COL12A1 gene. It does not directly change the encoded amino acid sequence of the COL12A1 protein. It affects a nucleotide within the consensus splice site. Variants that disrupt the consensus splice site are a relatively common cause of aberrant splicing (PMID: 17576681, 9536098). Algorithms developed to predict the effect of sequence changes on RNA splicing suggest that this variant may disrupt the consensus splice site. In summary, the available evidence is currently insufficient to determine the role of this variant in disease. Therefore, it has been classified as a Variant of Uncertain Significance.

Literature cited by the submitters: PubMed 17576681; PubMed 9536098.

NM_004370.6(COL12A1):c.2983+3A>C

Gene: COL12A1 (collagen type XII alpha 1 chain; minus strand). Cytogenetic location: 6q13.
Variant type: single nucleotide variant.
Coding change: c.2983+3A>C on transcript NM_004370.6 (MANE Select); 3 bases into the intron after coding-DNA position 2983, A replaced by C.
Molecular consequence: intron variant.
Genome position (GRCh38, 1-based): chr6:75,165,504, T>G on the plus strand (A>C on the coding strand, the complement: COL12A1 is on the minus strand). VCF-style: chr6-75165504-T-G. GRCh37 (hg19) VCF-style: chr6-75875220-T-G.
Other names: c.74-13022A>C (NM_080645.3).
Identifiers: ClinVar variation 2115547 (VCV002115547.4), dbSNP rs2533468975, ClinGen allele CA2580075778.
Genomic context (GRCh38, chr6:75,165,504, plus strand): 5'-CTTGAGCTGATAACTATTGGGTAGCACCGGCACACACCCAAACACACCCATAATGTTACC[T>G]ACATTCAGTTGTGGCATCTCCAGTCAAAGGTTCTCCTTCTCCACTGCTGTAAGTGGCAAA-3'